The following is an entry in ClinVar:

Single allele

Gene: NPRL3 (NPR3 like, GATOR1 complex subunit; minus strand). Cytogenetic location: 16p13.3.
Variant type: Deletion.
Identifiers: ClinVar variation 1120161 (VCV001120161.5).

ClinVar aggregate classification (germline): Likely pathogenic (1 of 4 stars; one submission).

Submission:

Mayo Clinic Laboratories, Mayo Clinic
Classification: Likely pathogenic. Last evaluated: 2020-10-20. Review status: criteria provided, single submitter. Criteria: ACMG Guidelines, 2015. Collection method: clinical testing. Allele origin: germline. Observed: 1 variant allele.
Comment: An out-of-frame deletion involving exon 2 of the NPRL3 gene. PVS1, PM2

Literature cited by the submitters: PubMed 26285051; PubMed 26786403; PubMed 27173016; PubMed 26505888; PubMed 30093711; PubMed 31111464.